The following is an entry in ClinVar:

ClinVar aggregate classification (germline): Conflicting classifications of pathogenicity. Review status: criteria provided, conflicting classifications (1 of 4 stars). 7 submissions from 7 submitters: Uncertain significance (1); Benign (1); Likely benign (4). 1 of the submissions does not count toward it. Last evaluated 2026-03-01.

Conditions:
Cryptosporidiosis-chronic cholangitis-liver disease syndrome. Also called: Immunodeficiency type 56; IL21R immunodeficiency. Identifiers: Orphanet 357329, MedGen C3554687, MONDO:0014082, OMIM 615207.
IL21R-related disorder. Also called: IL21R-related condition.

Allele frequency attached by ClinVar (database versions not stated): 1000 Genomes Project 0.00220; 1000 Genomes Project 30x 0.00234; gnomAD 0.00360; TOPMed 0.00454; ESP Exome Variant Server 0.00516.
gnomAD v4.1: 9,056 of 1,611,872 alleles (0.56%); highest among the groups gnomAD compares: Non-Finnish European, 0.66%; 43 homozygotes.

Submissions (7):

CeGaT Center for Human Genetics Tuebingen
Classification: Likely benign. Last evaluated: 2026-03-01. Review status: criteria provided, single submitter. Criteria: CeGaT Center For Human Genetics Tuebingen Variant Classification Criteria Version 2. Collection method: clinical testing. Allele origin: germline. Affected: yes. Observed: 11 variant alleles.
Comment: IL21R: BP4, BS2

Women's Health and Genetics/Laboratory Corporation of America, LabCorp
Classification: Likely benign. Last evaluated: 2026-02-10. Review status: criteria provided, single submitter. Criteria: LabCorp Variant Classification Summary - May 2015. Collection method: clinical testing. Allele origin: germline.
Comment: Variant summary: IL21R c.137C>T (p.Thr46Met) results in a non-conservative amino acid change in the encoded protein sequence. Algorithms developed to predict the effect of missense changes on protein structure and function are either unavailable or do not agree on the potential impact of this missense change. The variant allele was found at a frequency of 0.0045 in 250822 control chromosomes in the gnomAD database, including 6 homozygotes. The observed variant frequency exceeds the estimated maximal expected allele frequency for disease-causing variants in IL21R. c.137C>T has been observed in individuals from a single family affected with Common variable immunodeficiency, only as a heterozygous genotype (e.g. Salzer_2008). These report(s) do not provide unequivocal conclusions about association of the variant with Cryptosporidiosis-chronic cholangitis-liver disease syndrome. To our knowledge, no experimental evidence demonstrating an impact on protein function has been reported. The following publication has been ascertained in the context of this evaluation (PMID: 18254984). ClinVar contains an entry for this variant (Variation ID: 402977). Based on the evidence outlined above, the variant was classified as likely benign.

Labcorp Genetics (formerly Invitae), Labcorp
Classification: Likely benign for Cryptosporidiosis-chronic cholangitis-liver disease syndrome. Last evaluated: 2026-02-04. Review status: criteria provided, single submitter. Criteria: Invitae Variant Classification Sherloc (09022015). Collection method: clinical testing. Allele origin: germline.

ARUP Laboratories, Molecular Genetics and Genomics, ARUP Laboratories
Classification: Likely benign for Cryptosporidiosis-chronic cholangitis-liver disease syndrome. Last evaluated: 2025-03-13. Review status: criteria provided, single submitter. Criteria: ARUP Molecular Germline Variant Investigation Process 2024. Collection method: clinical testing. Allele origin: germline.

Mayo Clinic Laboratories, Mayo Clinic
Classification: Benign. Last evaluated: 2025-01-13. Review status: criteria provided, single submitter. Criteria: ACMG Guidelines, 2015. Collection method: clinical testing. Allele origin: germline. Observed: 4 variant alleles.
Comment: BS1, BS2, BP4

Laboratory for Molecular Medicine, Mass General Brigham Personalized Medicine
Classification: Uncertain significance. Last evaluated: 2016-03-29. Review status: criteria provided, single submitter. Criteria: LMM Criteria. Collection method: clinical testing. Allele origin: germline.
Comment: Variant identified in a genome or exome case(s) and assessed due to predicted null impact of the variant or pathogenic assertions in the literature or databases. Disclaimer: This variant has not undergone full assessment. The following are preliminary notes: Gene associated with autosomal recessive primary immunodeficiency, but no suspicious second variant and no information on this variant.

PreventionGenetics, part of Exact Sciences
Classification: Likely benign for IL21R-related condition. Last evaluated: 2020-05-14. Review status: no assertion criteria provided. Collection method: clinical testing. Allele origin: germline. Not counted in ClinVar's aggregate classification.
Comment: This variant is classified as likely benign based on ACMG/AMP sequence variant interpretation guidelines (Richards et al. 2015 PMID: 25741868, with internal and published modifications).

Literature cited by the submitters: PubMed 18254984 (cited by Women's Health and Genetics/Laboratory Corporation of America, LabCorp).

NM_181078.3(IL21R):c.137C>T (p.Thr46Met)

Gene: IL21R (interleukin 21 receptor; plus strand). Cytogenetic location: 16p12.1.
Variant type: single nucleotide variant.
Coding change: c.137C>T on transcript NM_181078.3 (MANE Select); coding-DNA position 137, C replaced by T.
Protein change: p.Thr46Met; replaces threonine 46 with methionine.
Molecular consequence: missense variant.
Genome position (GRCh38, 1-based): chr16:27,434,434, C>T. VCF-style: chr16-27434434-C-T. GRCh37 (hg19) VCF-style: chr16-27445755-C-T.
Other names: p.Thr46Met; c.137C>T, p.Thr46Met (NM_021798.4); c.203C>T, p.Thr68Met (NM_181079.5); short protein forms T68M, T46M.
Identifiers: ClinVar variation 402977 (VCV000402977.46), dbSNP rs137946070, ClinGen allele CA7974875.